The following is an entry in ClinVar:

NM_001943.5(DSG2):c.1479C>T (p.Asn493=)

Gene: DSG2 (desmoglein 2; plus strand). Cytogenetic location: 18q12.1.
Variant type: single nucleotide variant.
Coding change: c.1479C>T on transcript NM_001943.5 (MANE Select); coding-DNA position 1479, C replaced by T.
Protein change: p.Asn493=; no amino-acid change (asparagine 493 retained).
Molecular consequence: synonymous variant.
Genome position (GRCh38, 1-based): chr18:31,536,257, C>T. VCF-style: chr18-31536257-C-T. GRCh37 (hg19) VCF-style: chr18-29116220-C-T.
Other names: c.1479C>T (LRG_397t1).
Identifiers: ClinVar variation 258494 (VCV000258494.16), dbSNP rs778100657, ClinGen allele CA042568.

ClinVar aggregate classification (germline): Conflicting classifications of pathogenicity. Review status: criteria provided, conflicting classifications (1 of 4 stars). 5 submissions from 5 submitters: Uncertain significance (1); Likely benign (4). Last evaluated 2024-03-29.

Conditions:
Arrhythmogenic right ventricular cardiomyopathy (ARVD). Also called: Arrhythmogenic Right Ventricular Cardiomyopathy (ARVC); Cardiomyopathy, ARVC; Arrhythmogenic right ventricular dysplasia; Arrhythmogenic cardiomyopathy. Identifiers: Orphanet 247, MedGen C0349788, MeSH D019571, MONDO:0016587. Disease mechanism: loss of function. Inheritance: Various modes of inheritance.
Arrhythmogenic right ventricular dysplasia 10. Also called: Arrhythmogenic Right Ventricular Dysplasia/Cardiomyopathy10; Arrhythmogenic right ventricular dysplasia/cardiomyopathy, type 10; ARRHYTHMOGENIC RIGHT VENTRICULAR DYSPLASIA, FAMILIAL, 10. Identifiers: MedGen C1857777, MONDO:0012434, OMIM 610193.

Allele frequency attached by ClinVar (database versions not stated): gnomAD 0.00001; gnomAD exomes 0.00001; TOPMed 0.00001; ExAC 0.00002; 1000 Genomes Project 30x 0.00016.
gnomAD v4.1: 11 of 1,614,154 alleles (0.00068%); highest among the groups gnomAD compares: South Asian, 0.0066%; no homozygotes.

Submissions (5):

Labcorp Genetics (formerly Invitae), Labcorp
Classification: Likely benign for Arrhythmogenic right ventricular dysplasia 10. Last evaluated: 2024-03-29. Review status: criteria provided, single submitter. Criteria: Invitae Variant Classification Sherloc (09022015). Collection method: clinical testing. Allele origin: germline.

All of Us Research Program, National Institutes of Health
Classification: Likely benign for Arrhythmogenic right ventricular cardiomyopathy. Last evaluated: 2023-12-13. Review status: criteria provided, single submitter. Criteria: ACMG Guidelines, 2015. Collection method: clinical testing. Allele origin: germline. Inheritance: Autosomal dominant inheritance. Observed: 3 variant alleles, 3 heterozygotes.
Comment: This study involves interpretation of variants in research participants for the purpose of population health screening. Participant phenotype was not available at the time of variant classification. Additional details can be found in publication PMID: 35346344, PMCID: PMC8962531

Blueprint Genetics
Classification: Likely benign. Last evaluated: 2023-04-27. Review status: criteria provided, single submitter. Criteria: ACMG Guidelines, 2015. Collection method: clinical testing. Allele origin: germline.

Illumina Laboratory Services, Illumina
Classification: Uncertain significance for Arrhythmogenic right ventricular dysplasia 10. Last evaluated: 2018-01-13. Review status: criteria provided, single submitter. Criteria: ICSL Variant Classification Criteria 13 December 2019. Collection method: clinical testing. Allele origin: germline.

PreventionGenetics, part of Exact Sciences
Classification: Likely benign. Review status: criteria provided, single submitter. Criteria: ACMG Guidelines, 2015. Collection method: clinical testing. Allele origin: germline.